The following is an entry in ClinVar:

ClinVar aggregate classification (germline): Uncertain significance (1 of 4 stars; one submission).

Submission:

Labcorp Genetics (formerly Invitae), Labcorp
Classification: Uncertain significance. Last evaluated: 2023-04-24. Review status: criteria provided, single submitter. Criteria: Invitae Variant Classification Sherloc (09022015). Collection method: clinical testing. Allele origin: germline.
Comment: In summary, the available evidence is currently insufficient to determine the role of this variant in disease. Therefore, it has been classified as a Variant of Uncertain Significance. Advanced modeling of protein sequence and biophysical properties (such as structural, functional, and spatial information, amino acid conservation, physicochemical variation, residue mobility, and thermodynamic stability) performed at Invitae indicates that this missense variant is not expected to disrupt ERCC2 protein function. ClinVar contains an entry for this variant (Variation ID: 2178006). This variant has not been reported in the literature in individuals affected with ERCC2-related conditions. This variant is not present in population databases (gnomAD no frequency). This sequence change replaces isoleucine, which is neutral and non-polar, with valine, which is neutral and non-polar, at codon 367 of the ERCC2 protein (p.Ile367Val).

NM_000400.4(ERCC2):c.1099A>G (p.Ile367Val)

Gene: ERCC2 (ERCC excision repair 2, TFIIH core complex helicase subunit; minus strand). Cytogenetic location: 19q13.32.
Variant type: single nucleotide variant.
Coding change: c.1099A>G on transcript NM_000400.4 (MANE Select); coding-DNA position 1099, A replaced by G.
Protein change: p.Ile367Val; replaces isoleucine 367 with valine.
Molecular consequence: missense variant.
Genome position (GRCh38, 1-based): chr19:45,363,762, T>C on the plus strand (A>G on the coding strand, the complement: ERCC2 is on the minus strand). VCF-style: chr19-45363762-T-C. GRCh37 (hg19) VCF-style: chr19-45867020-T-C.
Other names: c.1027A>G, p.Ile343Val (NM_001130867.2); short protein forms I367V, I343V.
Identifiers: ClinVar variation 2178006 (VCV002178006.4), dbSNP rs2514028341, ClinGen allele CA406372085.